The following is an entry in ClinVar:

NM_000090.4(COL3A1):c.409C>A (p.Pro137Thr)

Gene: COL3A1 (collagen type III alpha 1 chain; plus strand). Cytogenetic location: 2q32.2.
Variant type: single nucleotide variant.
Coding change: c.409C>A on transcript NM_000090.4 (MANE Select); coding-DNA position 409, C replaced by A.
Protein change: p.Pro137Thr; replaces proline 137 with threonine.
Molecular consequence: missense variant.
Genome position (GRCh38, 1-based): chr2:188,985,740, C>A. VCF-style: chr2-188985740-C-A. GRCh37 (hg19) VCF-style: chr2-189850466-C-A.
Other names: short protein forms P137T.
Identifiers: ClinVar variation 459792 (VCV000459792.9), dbSNP rs1553506950, ClinGen allele CA349847923.

ClinVar aggregate classification (germline): Uncertain significance (1 of 4 stars; one submission).

Conditions:
Ehlers-Danlos syndrome, type 4 (EDSVASC). Also called: Ehlers-Danlos syndrome vascular type; Ehlers Danlos syndrome, ecchymotic type; Ehlers Danlos syndrome, arterial type; Ehlers Danlos syndrome, Sack-Barabas type; Ehlers-Danlos Syndrome Type IV. Identifiers: Orphanet 286, MedGen C0268338, MONDO:0017314, OMIM 130050.

Submission:

Labcorp Genetics (formerly Invitae), Labcorp
Classification: Uncertain significance for Ehlers-Danlos syndrome, type 4. Last evaluated: 2017-10-14. Review status: criteria provided, single submitter. Criteria: Invitae Variant Classification Sherloc (09022015). Collection method: clinical testing. Allele origin: germline.
Comment: In summary, the available evidence is currently insufficient to determine the role of this variant in disease. Therefore, it has been classified as a Variant of Uncertain Significance. Algorithms developed to predict the effect of missense changes on protein structure and function (SIFT, PolyPhen-2, Align-GVGD) all suggest that this variant is likely to be tolerated, but these predictions have not been confirmed by published functional studies and their clinical significance is uncertain. This variant has not been reported in the literature in individuals with COL3A1-related disease. This variant is not present in population databases (ExAC no frequency). This sequence change replaces proline with threonine at codon 137 of the COL3A1 protein (p.Pro137Thr). The proline residue is moderately conserved and there is a small physicochemical difference between proline and threonine.